The following is an entry in ClinVar:

NM_001312673.2(PCYT1A):c.830A>G (p.Lys277Arg)

Gene: PCYT1A (phosphate cytidylyltransferase 1A, choline; minus strand). Cytogenetic location: 3q29.
Variant type: single nucleotide variant.
Coding change: c.830A>G on transcript NM_001312673.2 (MANE Select); coding-DNA position 830, A replaced by G.
Protein change: p.Lys277Arg; replaces lysine 277 with arginine.
Molecular consequence: missense variant.
Genome position (GRCh38, 1-based): chr3:196,239,614, T>C on the plus strand (A>G on the coding strand, the complement: PCYT1A is on the minus strand). VCF-style: chr3-196239614-T-C. GRCh37 (hg19) VCF-style: chr3-195966485-T-C.
Other names: c.830A>G, p.Lys277Arg (NM_005017.4); short protein forms K277R.
Identifiers: ClinVar variation 1919985 (VCV001919985.2), dbSNP rs377634842, ClinGen allele CA2779421.

ClinVar aggregate classification (germline): Uncertain significance (1 of 4 stars; one submission).

Allele frequency attached by ClinVar (database versions not stated): gnomAD exomes 0.00001; ExAC 0.00002; gnomAD 0.00005; TOPMed 0.00009; ESP Exome Variant Server 0.00015.
gnomAD v4.1: 17 of 1,612,988 alleles (0.0011%); highest among the groups gnomAD compares: African/African-American, 0.023%; no homozygotes.

Submission:

Labcorp Genetics (formerly Invitae), Labcorp
Classification: Uncertain significance. Last evaluated: 2022-06-10. Review status: criteria provided, single submitter. Criteria: Invitae Variant Classification Sherloc (09022015). Collection method: clinical testing. Allele origin: germline.
Comment: This sequence change replaces lysine, which is basic and polar, with arginine, which is basic and polar, at codon 277 of the PCYT1A protein (p.Lys277Arg). This variant is present in population databases (rs377634842, gnomAD 0.04%). This variant has not been reported in the literature in individuals affected with PCYT1A-related conditions. Advanced modeling of protein sequence and biophysical properties (such as structural, functional, and spatial information, amino acid conservation, physicochemical variation, residue mobility, and thermodynamic stability) performed at Invitae indicates that this missense variant is not expected to disrupt PCYT1A protein function. In summary, the available evidence is currently insufficient to determine the role of this variant in disease. Therefore, it has been classified as a Variant of Uncertain Significance.